The following is an entry in ClinVar:

NM_000080.4(CHRNE):c.1314G>C (p.Glu438Asp)

Gene: CHRNE (cholinergic receptor nicotinic epsilon subunit; minus strand). Cytogenetic location: 17p13.2.
Variant type: single nucleotide variant.
Coding change: c.1314G>C on transcript NM_000080.4 (MANE Select); coding-DNA position 1314, G replaced by C.
Protein change: p.Glu438Asp; replaces glutamic acid 438 with aspartic acid.
Molecular consequence: missense variant.
Genome position (GRCh38, 1-based): chr17:4,899,013, C>G on the plus strand (G>C on the coding strand, the complement: CHRNE is on the minus strand). VCF-style: chr17-4899013-C-G. GRCh37 (hg19) VCF-style: chr17-4802308-C-G.
Other names: short protein forms E438D.
Identifiers: ClinVar variation 2032499 (VCV002032499.3), dbSNP rs772995680, ClinGen allele CA8313895.
Genomic context (GRCh38, chr17:4,899,013, plus strand): 5'-AGTGGTGGGCCTCTGCCTCGCTCCACCCGCCTCTGGCTCCTGTCCCACCTCGCCGGTGGC[C>G]TCCTGATCTCTCGTGCTCTCGGCCACGAAGTTCACGGCATCCACACAGCAGCGGACCTCG-3'
Protein context (NP_000071.1, residues 428-448): NFVAESTRDQ[Glu438Asp]ATGEEVSDWV

ClinVar aggregate classification (germline): Uncertain significance (1 of 4 stars; one submission).

Conditions:
Congenital myasthenic syndrome 4A. Also called: MYASTHENIC SYNDROME, CONGENITAL, 4A, SLOW-CHANNEL, AUTOSOMAL RECESSIVE; Myasthenic syndrome, congenital, 4a, slow-channel; CONGENITAL MYASTHENIC SYNDROME TYPE Ia1. Identifiers: Orphanet 590, MedGen C4225413, MONDO:0011600, OMIM 605809.

Allele frequency attached by ClinVar (database versions not stated): ExAC 0.00005; TOPMed 0.00001; gnomAD exomes 0.00001.

Submission:

Labcorp Genetics (formerly Invitae), Labcorp
Classification: Uncertain significance for Congenital myasthenic syndrome 4A. Last evaluated: 2025-12-30. Review status: criteria provided, single submitter. Criteria: Invitae Variant Classification Sherloc (09022015). Collection method: clinical testing. Allele origin: germline.
Comment: This sequence change replaces glutamic acid, which is acidic and polar, with aspartic acid, which is acidic and polar, at codon 438 of the CHRNE protein (p.Glu438Asp). This variant is present in population databases (rs772995680, gnomAD 0.003%). This variant has not been reported in the literature in individuals affected with CHRNE-related conditions. ClinVar contains an entry for this variant (Variation ID: 2032499). Invitae Evidence Modeling of protein sequence and biophysical properties (such as structural, functional, and spatial information, amino acid conservation, physicochemical variation, residue mobility, and thermodynamic stability) indicates that this missense variant is not expected to disrupt CHRNE protein function with a negative predictive value of 95%. In summary, the available evidence is currently insufficient to determine the role of this variant in disease. Therefore, it has been classified as a Variant of Uncertain Significance.